The following is an entry in ClinVar:

NM_001394062.1(MACF1):c.1544G>A (p.Arg515His)

Gene: MACF1 (microtubule actin crosslinking factor 1; plus strand). Cytogenetic location: 1p34.3.
Variant type: single nucleotide variant.
Coding change: c.1544G>A on transcript NM_001394062.1 (MANE Select); coding-DNA position 1544, G replaced by A.
Protein change: p.Arg515His; replaces arginine 515 with histidine.
Molecular consequence: missense variant.
Genome position (GRCh38, 1-based): chr1:39,287,321, G>A. VCF-style: chr1-39287321-G-A. GRCh37 (hg19) VCF-style: chr1-39752993-G-A.
Other names: c.1559G>A, p.Arg520His (NM_012090.5); short protein forms R515H, R520H.
Identifiers: ClinVar variation 3030308 (VCV003030308.21), dbSNP rs778551048, ClinGen allele CA779468.
Genomic context (GRCh38, chr1:39,287,321, plus strand): 5'-CCTTTTTTCTCTTCTTCCATTTCAGGGTCATGCGTCTTCAGGATGAGCTGGTCACCTTGC[G>A]TCTAGAGTGTACAAACCTGTACCGGAAGGGTCATTTCACTTCACTTGAATTGGTTCCACC-3'
Protein context (NP_001380991.1, residues 505-525): MRLQDELVTL[Arg515His]LECTNLYRKG

ClinVar aggregate classification (germline): Uncertain significance. Review status: criteria provided, single submitter (1 of 4 stars). 2 submissions from 2 submitters: Uncertain significance (1). 1 of the submissions does not count toward it. Last evaluated 2024-04-01.

Conditions:
MACF1-related disorder. Also called: MACF1-related condition.

Allele frequency attached by ClinVar (database versions not stated): ExAC 0.00002; gnomAD 0.00003; gnomAD exomes 0.00003; TOPMed 0.00003.
gnomAD v4.1: 40 of 1,613,946 alleles (0.0025%); highest among the groups gnomAD compares: Admixed American, 0.0067%; no homozygotes.

Submissions (2):

CeGaT Center for Human Genetics Tuebingen
Classification: Uncertain significance. Last evaluated: 2024-04-01. Review status: criteria provided, single submitter. Criteria: CeGaT Center For Human Genetics Tuebingen Variant Classification Criteria Version 2. Collection method: clinical testing. Allele origin: germline. Affected: yes. Observed: 1 variant allele.

PreventionGenetics, part of Exact Sciences
Classification: Likely benign for MACF1-related condition. Last evaluated: 2023-09-15. Review status: no assertion criteria provided. Collection method: clinical testing. Allele origin: germline. Not counted in ClinVar's aggregate classification.
Comment: This variant is classified as likely benign based on ACMG/AMP sequence variant interpretation guidelines (Richards et al. 2015 PMID: 25741868, with internal and published modifications).